The following is an entry in ClinVar:

NM_018480.7(TMEM126B):c.436C>T (p.Leu146=)

Gene: TMEM126B (transmembrane protein 126B; plus strand). Cytogenetic location: 11q14.1.
Variant type: single nucleotide variant.
Coding change: c.436C>T on transcript NM_018480.7 (MANE Select); coding-DNA position 436, C replaced by T.
Protein change: p.Leu146=; no amino-acid change (leucine 146 retained).
Molecular consequence: synonymous variant. On other transcripts: non-coding transcript variant (2).
Genome position (GRCh38, 1-based): chr11:85,635,705, C>T. VCF-style: chr11-85635705-C-T. GRCh37 (hg19) VCF-style: chr11-85346749-C-T.
Other names: c.376C>T, p.Leu126= (NM_001193537.3); c.346C>T, p.Leu116= (NM_001193538.3, NM_001256546.2); c.298C>T, p.Leu100= (NM_001256547.2); c.211C>T, p.Leu71= (NM_001350393.1).
Identifiers: ClinVar variation 4979081 (VCV004979081.1).

ClinVar aggregate classification (germline): Likely benign (1 of 4 stars; one submission).

Conditions:
TMEM126B-related disorder. Also called: TMEM126B-related condition.

gnomAD v4.1: 137 of 1,607,256 alleles (0.0085%); highest among the groups gnomAD compares: Non-Finnish European, 0.011%; no homozygotes.

Submission:

PreventionGenetics, part of Exact Sciences
Classification: Likely benign for TMEM126B-related condition. Last evaluated: 2025-09-04. Review status: criteria provided, single submitter. Criteria: ACMG Guidelines, 2015. Collection method: clinical testing. Allele origin: germline.
Comment: This variant is classified as likely benign based on ACMG/AMP sequence variant interpretation guidelines (Richards et al. 2015 PMID: 25741868, with internal and published modifications).